The following is an entry in ClinVar:

ClinVar aggregate classification (germline): Uncertain significance. Review status: criteria provided, multiple submitters, no conflicts (2 of 4 stars). 3 submissions from 3 submitters: Uncertain significance (3). Last evaluated 2025-06-30.

Conditions:
Inborn genetic diseases. Identifiers: MedGen C0950123, MeSH D030342.
CHARGE syndrome (CHARGE). Also called: Hittner Hirsch Kreh syndrome; CHARGE ASSOCIATION--COLOBOMA, HEART ANOMALY, CHOANAL ATRESIA, RETARDATION, GENITAL AND EAR ANOMALIES; Coloboma, heart anomaly, choanal atresia, retardation, genital and ear anomalies; CHARGE association; Hall-Hittner syndrome. Identifiers: Orphanet 138, MedGen C0265354, MONDO:0008965.

Submissions (3):

Ambry Genetics
Classification: Uncertain significance for Inborn genetic diseases. Last evaluated: 2025-06-30. Review status: criteria provided, single submitter. Criteria: Ambry Variant Classification Scheme 2023. Collection method: clinical testing. Allele origin: germline.
Comment: The p.P2946L variant (also known as c.8837C>T), located in coding exon 37 of the CHD7 gene, results from a C to T substitution at nucleotide position 8837. The proline at codon 2946 is replaced by leucine, an amino acid with similar properties. This amino acid position is conserved. In addition, this alteration is predicted to be tolerated by in silico analysis. Based on the available evidence, the clinical significance of this variant remains unclear.

Labcorp Genetics (formerly Invitae), Labcorp
Classification: Uncertain significance for CHARGE syndrome. Last evaluated: 2024-05-15. Review status: criteria provided, single submitter. Criteria: Invitae Variant Classification Sherloc (09022015). Collection method: clinical testing. Allele origin: germline.
Comment: This sequence change replaces proline, which is neutral and non-polar, with leucine, which is neutral and non-polar, at codon 2946 of the CHD7 protein (p.Pro2946Leu). This variant is not present in population databases (gnomAD no frequency). This variant has not been reported in the literature in individuals affected with CHD7-related conditions. ClinVar contains an entry for this variant (Variation ID: 1950861). Advanced modeling of protein sequence and biophysical properties (such as structural, functional, and spatial information, amino acid conservation, physicochemical variation, residue mobility, and thermodynamic stability) performed at Invitae indicates that this missense variant is not expected to disrupt CHD7 protein function with a negative predictive value of 95%. In summary, the available evidence is currently insufficient to determine the role of this variant in disease. Therefore, it has been classified as a Variant of Uncertain Significance.

Revvity Omics, Revvity
Classification: Uncertain significance. Last evaluated: 2023-11-08. Review status: criteria provided, single submitter. Criteria: ACMG Guidelines, 2015. Collection method: clinical testing. Allele origin: germline.

NM_017780.4(CHD7):c.8837C>T (p.Pro2946Leu)

Gene: CHD7 (chromodomain helicase DNA binding protein 7; plus strand). Cytogenetic location: 8q12.2.
Variant type: single nucleotide variant.
Coding change: c.8837C>T on transcript NM_017780.4 (MANE Select); coding-DNA position 8837, C replaced by T.
Protein change: p.Pro2946Leu; replaces proline 2946 with leucine.
Molecular consequence: missense variant.
Genome position (GRCh38, 1-based): chr8:60,865,776, C>T. VCF-style: chr8-60865776-C-T. GRCh37 (hg19) VCF-style: chr8-61778335-C-T.
Other names: c.8837C>T (NM_017780.3); c.2690C>T, p.Pro897Leu (NM_001316690.1); short protein forms P897L, P2946L.
Identifiers: ClinVar variation 1950861 (VCV001950861.8), dbSNP rs768935496, ClinGen allele CA371312398.